The following is an entry in ClinVar:

NM_000088.4(COL1A1):c.3807G>A (p.Trp1269Ter)

Gene: COL1A1 (collagen type I alpha 1 chain; minus strand). Cytogenetic location: 17q21.33.
Variant type: single nucleotide variant.
Coding change: c.3807G>A on transcript NM_000088.4 (MANE Select); coding-DNA position 3807, G replaced by A.
Protein change: p.Trp1269Ter; replaces tryptophan 1269 with a stop codon.
Molecular consequence: nonsense.
Genome position (GRCh38, 1-based): chr17:50,186,647, C>T on the plus strand (G>A on the coding strand, the complement: COL1A1 is on the minus strand). VCF-style: chr17-50186647-C-T. GRCh37 (hg19) VCF-style: chr17-48264008-C-T.
Other names: short protein forms W1269*.
Identifiers: ClinVar variation 2736617 (VCV002736617.4), dbSNP rs2509162962, ClinGen allele CA400195971.
Genomic context (GRCh38, chr17:50,186,647, plus strand): 5'-GACCCTGGCATGGCAGGAGTAGGAGGGAGGGAGAGGCTAGGGCAGGCCCTCACCACTCTT[C>T]CAGTCAGAGTGGCACATCTTGAGGTCACGGCAGGTGCGGGCGGGGTTCTTGCGGCTGCCC-3'

ClinVar aggregate classification (germline): Pathogenic. Review status: criteria provided, multiple submitters, no conflicts (2 of 4 stars). 2 submissions from 2 submitters: Pathogenic (2). Last evaluated 2025-07-21.

Conditions:
Osteogenesis imperfecta type I (OI1). Also called: Classic Non-deforming Osteogenesis Imperfecta with Blue Sclerae; Lobstein disease; OI, TYPE I; OSTEOGENESIS IMPERFECTA TARDA; OSTEOGENESIS IMPERFECTA WITH BLUE SCLERAE; Osteogenesis imperfecta type 1. Identifiers: Orphanet 216796, Orphanet 666, MedGen C0023931, MONDO:0008146, OMIM 166200. Disease mechanism: loss of function.

Submissions (2):

GeneDx
Classification: Pathogenic. Last evaluated: 2025-07-21. Review status: criteria provided, single submitter. Criteria: GeneDx Variant Classification Process June 2021. Collection method: clinical testing. Allele origin: germline. Affected: yes.
Comment: Identified in patients with osteogenesis imperfecta in published literature (PMID: 25146735, 30886339); Nonsense variant predicted to result in protein truncation or nonsense mediated decay in a gene for which loss of function is a known mechanism of disease; Not observed at significant frequency in large population cohorts (gnomAD); This variant is associated with the following publications: (PMID: 30886339, 32166892, 25146735)

Labcorp Genetics (formerly Invitae), Labcorp
Classification: Pathogenic for Osteogenesis imperfecta type I. Last evaluated: 2024-01-26. Review status: criteria provided, single submitter. Criteria: Invitae Variant Classification Sherloc (09022015). Collection method: clinical testing. Allele origin: germline.
Comment: This sequence change creates a premature translational stop signal (p.Trp1269*) in the COL1A1 gene. It is expected to result in an absent or disrupted protein product. Loss-of-function variants in COL1A1 are known to be pathogenic (PMID: 7942841, 9295084, 9443882). This variant is not present in population databases (gnomAD no frequency). This premature translational stop signal has been observed in individual(s) with osteogenesis imperfecta type I (PMID: 32166892). For these reasons, this variant has been classified as Pathogenic.

Literature cited by the submitters: PubMed 7942841 (cited by Labcorp Genetics (formerly Invitae), Labcorp); PubMed 9295084 (cited by Labcorp Genetics (formerly Invitae), Labcorp); PubMed 9443882 (cited by Labcorp Genetics (formerly Invitae), Labcorp); PubMed 32166892 (cited by Labcorp Genetics (formerly Invitae), Labcorp).